The following is an entry in ClinVar:

NM_139072.4(DNER):c.249C>T (p.Pro83=)

Gene: DNER (delta/notch like EGF repeat containing; minus strand). Cytogenetic location: 2q36.3.
Variant type: single nucleotide variant.
Coding change: c.249C>T on transcript NM_139072.4 (MANE Select); coding-DNA position 249, C replaced by T.
Protein change: p.Pro83=; no amino-acid change (proline 83 retained).
Molecular consequence: synonymous variant.
Genome position (GRCh38, 1-based): chr2:229,714,175, G>A on the plus strand (C>T on the coding strand, the complement: DNER is on the minus strand). VCF-style: chr2-229714175-G-A. GRCh37 (hg19) VCF-style: chr2-230578891-G-A.
Identifiers: ClinVar variation 5038921 (VCV005038921.1).
Genomic context (GRCh38, chr2:229,714,175, plus strand): 5'-GCGCCCCGCACCGCGCCCGCCGCTTCCACTCACCTGGCAGTTGGCGCCGGAGATCCCGGC[G>A]GGGCAGGTGCAGCTGTAGCCAGGCTCGCCGGCGGGGGCCGGGTGCTGCGGGTCCGGCTCA-3'
Protein context (NP_620711.3, residues 73-93): AGEPGYSCTC[Pro83=]AGISGANCQL

ClinVar aggregate classification (germline): Likely benign (1 of 4 stars; one submission).

gnomAD v4.1: 304 of 1,334,122 alleles (0.023%); highest among the groups gnomAD compares: South Asian, 0.5%; 4 homozygotes.

Submission:

CeGaT Center for Human Genetics Tuebingen
Classification: Likely benign. Last evaluated: 2026-09-01. Review status: criteria provided, single submitter. Criteria: CeGaT Center For Human Genetics Tuebingen Variant Classification Criteria Version 2. Collection method: clinical testing. Allele origin: germline. Affected: yes. Observed: 1 variant allele.
Comment: DNER: BP4, BP7